The following is an entry in ClinVar:

ClinVar aggregate classification (germline): Uncertain significance (1 of 4 stars; one submission).

Submission:

Ambry Genetics
Classification: Uncertain significance. Last evaluated: 2026-07-28. Review status: criteria provided, single submitter. Criteria: Ambry Variant Classification Scheme 2023. Collection method: clinical testing. Allele origin: germline.
Comment: The p.G1014V variant (also known as c.3041G>T), located in coding exon 1 of the MLH3 gene, results from a G to T substitution at nucleotide position 3041. The glycine at codon 1014 is replaced by valine, an amino acid with dissimilar properties. This amino acid position is conserved. In addition, this alteration is predicted to be tolerated by in silico analysis. Based on the available evidence, the clinical significance of this variant remains unclear.

NM_001040108.2(MLH3):c.3041G>T (p.Gly1014Val)

Gene: MLH3 (mutL homolog 3; minus strand). Cytogenetic location: 14q24.3.
Variant type: single nucleotide variant.
Coding change: c.3041G>T on transcript NM_001040108.2 (MANE Select); coding-DNA position 3041, G replaced by T.
Protein change: p.Gly1014Val; replaces glycine 1014 with valine.
Molecular consequence: missense variant.
Genome position (GRCh38, 1-based): chr14:75,046,615, C>A on the plus strand (G>T on the coding strand, the complement: MLH3 is on the minus strand). VCF-style: chr14-75046615-C-A. GRCh37 (hg19) VCF-style: chr14-75513318-C-A.
Other names: c.3041G>T, p.Gly1014Val (NM_014381.3); short protein forms G1014V.
Identifiers: ClinVar variation 5024609 (VCV005024609.1).